The following is an entry in ClinVar:

NM_007294.4(BRCA1):c.4417del (p.Ser1473fs)

Gene: BRCA1 (BRCA1 DNA repair associated; minus strand). Cytogenetic location: 17q21.31.
Variant type: Deletion.
Coding change: c.4417del on transcript NM_007294.4 (MANE Select); coding-DNA position 4417, one base deleted (T; older notation c.4417delT).
Protein change: p.Ser1473fs; shifts the reading frame from serine 1473.
Molecular consequence: frameshift variant. On other transcripts: non-coding transcript variant (1).
Genome position (GRCh38, 1-based): chr17:43,076,555, A deleted on the plus strand (T on the coding strand, the reverse complement: BRCA1 is on the minus strand); the first of 3 consecutive A bases (chr17:43,076,555-43,076,557); deleting any one gives the same sequence. VCF-style (leftmost placement, unchanged base first): chr17-43076554-GA-G. GRCh37 (hg19) VCF-style: chr17-41228571-GA-G.
Other names: 4536delT; c.4151delT, p.Ser1385Leufs (NM_001407923.1, NM_001407924.1, NM_001407925.1 and 4 more transcripts); c.4148delT, p.Ser1384Leufs (NM_001407927.1, NM_001407928.1, NM_001407929.1 and 4 more transcripts); c.4145delT, p.Ser1383Leufs (NM_001407934.1, NM_001407935.1, NM_001407936.1); c.4292delT, p.Ser1432Leufs (NM_001407937.1, NM_001407938.1, NM_001407664.1 and 6 more transcripts); c.4289delT, p.Ser1431Leufs (NM_001407939.1, NM_001407940.1, NM_001407670.1 and 11 more transcripts); c.4286delT, p.Ser1430Leufs (NM_001407941.1, NM_001407681.1, NM_001407682.1 and 6 more transcripts); c.4274delT, p.Ser1426Leufs (NM_001407942.1, NM_001407692.1, NM_001407694.1 and 12 more transcripts); and 72 more; short protein forms S1473fs, S369fs, S1426fs, S1494fs.
Identifiers: ClinVar variation 266476 (VCV000266476.12), dbSNP rs886040231, ClinGen allele CA10589663.
Genomic context (GRCh38, chr17:43,076,554, plus strand): 5'-ACTCCTGGTTCTTTATTTTTACTGGTAGAACTATCTGCAGACACCTCAAACTTGTCAGCA[GA>G]AAGGCCTTCTGGATTCTGGCTTATAGGGTATTCACTACTTTTCTGTGAAGTTAATACTGC-3'

ClinVar aggregate classification (germline): Pathogenic. Review status: reviewed by expert panel (3 of 4 stars). 3 submissions from 3 submitters: Pathogenic (1). 2 of the submissions do not count toward it. Last evaluated 2016-10-18.

Conditions:
Hereditary breast ovarian cancer syndrome. Also called: Hereditary breast and ovarian cancer syndrome (HBOC); Breast and ovarian cancer; Hereditary breast and ovarian cancer syndrome; Hereditary breast and ovarian cancer; BRCA1- and BRCA2-Associated Hereditary Breast and Ovarian Cancer; Hereditary breast and/or ovarian cancer syndrome. Identifiers: Orphanet 145, MedGen C0677776, MeSH D061325, MONDO:0003582. Disease mechanism: loss of function.
Breast-ovarian cancer, familial, susceptibility to, 1 (BROVCA1). Also called: BRCA1 Hereditary Breast and Ovarian Cancer; OVARIAN CANCER, SUSCEPTIBILITY TO. Identifiers: Orphanet 145, MedGen C2676676, MONDO:0011450, OMIM 604370. Disease mechanism: loss of function.

Submissions (3):

Evidence-based Network for the Interpretation of Germline Mutant Alleles (ENIGMA)
Classification: Pathogenic for Breast-ovarian cancer, familial, susceptibility to, 1. Last evaluated: 2016-10-18. Review status: reviewed by expert panel. Criteria: ENIGMA BRCA1/2 Classification Criteria (2015). Collection method: curation. Allele origin: germline.
Comment: Variant allele predicted to encode a truncated non-functional protein.

Labcorp Genetics (formerly Invitae), Labcorp
Classification: Pathogenic for Hereditary breast ovarian cancer syndrome. Last evaluated: 2021-06-27. Review status: criteria provided, single submitter. Criteria: Invitae Variant Classification Sherloc (09022015). Collection method: clinical testing. Allele origin: germline. Not counted in ClinVar's aggregate classification.
Comment: This sequence change creates a premature translational stop signal (p.Ser1473Leufs*32) in the BRCA1 gene. It is expected to result in an absent or disrupted protein product. Loss-of-function variants in BRCA1 are known to be pathogenic (PMID: 20104584). This variant is not present in population databases (ExAC no frequency). This frameshift has been observed in individual(s) with breast and/or ovarian cancer (PMID: 16683254, 27376475, 30093976). ClinVar contains an entry for this variant (Variation ID: 266476). For these reasons, this variant has been classified as Pathogenic.

Consortium of Investigators of Modifiers of BRCA1/2 (CIMBA), c/o University of Cambridge
Classification: Pathogenic for Breast-ovarian cancer, familial, susceptibility to, 1. Last evaluated: 2015-10-02. Review status: criteria provided, single submitter. Criteria: CIMBA Mutation Classification guidelines May 2016. Collection method: clinical testing. Allele origin: germline. Not counted in ClinVar's aggregate classification.

Literature cited by the submitters: PubMed 20104584 (cited by Labcorp Genetics (formerly Invitae), Labcorp); PubMed 16683254 (cited by Labcorp Genetics (formerly Invitae), Labcorp); PubMed 27376475 (cited by Labcorp Genetics (formerly Invitae), Labcorp); PubMed 30093976 (cited by Labcorp Genetics (formerly Invitae), Labcorp).